The following is an entry in ClinVar:

ClinVar aggregate classification (germline): Likely pathogenic (0 of 4 stars; one submission).

Conditions:
Spastic paraplegia 82, autosomal recessive (SPG82). Identifiers: Orphanet 631073, MedGen C5394037, MONDO:0032906, OMIM 618770.

Submission:

Solve-RD Consortium
Classification: Likely pathogenic for Spastic paraplegia 82, autosomal recessive. Last evaluated: 2022-06-01. Review status: no assertion criteria provided. Collection method: provider interpretation. Allele origin: inherited. Affected: yes.
Comment: Variant confirmed as disease-causing by referring clinical team

Variant identified during reanalysis of unsolved cases by the Solve-RD project. The Solve-RD project has received funding from the European Union’s Horizon 2020 research and innovation programme under grant agreement No 779257.

Literature cited by the submitters: PubMed 39825153.

NM_002861.5(PCYT2):c.88T>G (p.Cys30Gly)

Genes: PCYT2 (phosphate cytidylyltransferase 2, ethanolamine; minus strand), LOC130061984 (ATAC-STARR-seq lymphoblastoid silent region 9166; plus strand). Cytogenetic location: 17q25.3.
Variant type: single nucleotide variant.
Coding change: c.88T>G on transcript NM_002861.5 (MANE Select); coding-DNA position 88, T replaced by G.
Protein change: p.Cys30Gly; replaces cysteine 30 with glycine.
Molecular consequence: missense variant. On other transcripts: 5 prime UTR variant (2).
Genome position (GRCh38, 1-based): chr17:81,911,268, A>C on the plus strand (T>G on the coding strand, the complement: PCYT2 is on the minus strand). VCF-style: chr17-81911268-A-C. GRCh37 (hg19) VCF-style: chr17-79869144-A-C.
Other names: c.88T>G, p.Cys30Gly (NM_001184917.3, NM_001256433.3, NM_001330518.2); c.-88T>G (NM_001256434.3); c.-431T>G (NM_001256435.3); short protein forms C30G.
Identifiers: ClinVar variation 3256733 (VCV003256733.1).
Genomic context (GRCh38, chr17:81,911,268, plus strand): 5'-GCGCCCCGGAAGGAAGCCGGCCCCGGCGCCCCCGCGGCCCGCCCCGGCCCCGCGCTCACC[A>C]GCCATCGCACCACACCCTCACGGCGCGCCTGCCCCCCGGGCCCGGCTGCTCTGCGCCGCC-3'
Protein context (NP_002852.1, residues 20-40): RRAVRVWCDG[Cys30Gly]YDMVHYGHSN